The following is an entry in ClinVar:

NM_006231.4(POLE):c.1492G>C (p.Gly498Arg)

Gene: POLE (DNA polymerase epsilon, catalytic subunit; minus strand). Cytogenetic location: 12q24.33.
Variant type: single nucleotide variant.
Coding change: c.1492G>C on transcript NM_006231.4 (MANE Select); coding-DNA position 1492, G replaced by C.
Protein change: p.Gly498Arg; replaces glycine 498 with arginine.
Molecular consequence: missense variant.
Genome position (GRCh38, 1-based): chr12:132,672,821, C>G on the plus strand (G>C on the coding strand, the complement: POLE is on the minus strand). VCF-style: chr12-132672821-C-G. GRCh37 (hg19) VCF-style: chr12-133249407-C-G.
Other names: c.1492G>C (NM_006231.2); short protein forms G498R.
Identifiers: ClinVar variation 665621 (VCV000665621.15), dbSNP rs1593071383, ClinGen allele CA387357685.

ClinVar aggregate classification (germline): Uncertain significance. Review status: criteria provided, multiple submitters, no conflicts (2 of 4 stars). 3 submissions from 3 submitters: Uncertain significance (3). Last evaluated 2025-02-26.

Conditions:
Hereditary cancer-predisposing syndrome. Also called: Tumor predisposition; Hereditary neoplastic syndrome; Neoplastic Syndromes, Hereditary; Hereditary Cancer Syndrome. Identifiers: Orphanet 140162, MedGen C0027672, MeSH D009386, MONDO:0015356.

Submissions (3):

Ambry Genetics
Classification: Uncertain significance for Hereditary cancer-predisposing syndrome. Last evaluated: 2025-02-26. Review status: criteria provided, single submitter. Criteria: Ambry Variant Classification Scheme 2023. Collection method: clinical testing. Allele origin: germline.
Comment: The p.G498R variant (also known as c.1492G>C), located in coding exon 15 of the POLE gene, results from a G to C substitution at nucleotide position 1492. The glycine at codon 498 is replaced by arginine, an amino acid with dissimilar properties. This amino acid position is conserved. In addition, this alteration is predicted to be deleterious by in silico analysis. Based on the available evidence, the clinical significance of this variant remains unclear.

Labcorp Genetics (formerly Invitae), Labcorp
Classification: Uncertain significance. Last evaluated: 2024-06-06. Review status: criteria provided, single submitter. Criteria: Invitae Variant Classification Sherloc (09022015). Collection method: clinical testing. Allele origin: germline.
Comment: This sequence change replaces glycine, which is neutral and non-polar, with arginine, which is basic and polar, at codon 498 of the POLE protein (p.Gly498Arg). This variant is not present in population databases (gnomAD no frequency). This variant has not been reported in the literature in individuals affected with POLE-related conditions. ClinVar contains an entry for this variant (Variation ID: 665621). Advanced modeling of protein sequence and biophysical properties (such as structural, functional, and spatial information, amino acid conservation, physicochemical variation, residue mobility, and thermodynamic stability) performed at Invitae indicates that this missense variant is expected to disrupt POLE protein function with a positive predictive value of 80%. In summary, the available evidence is currently insufficient to determine the role of this variant in disease. Therefore, it has been classified as a Variant of Uncertain Significance.

GeneDx
Classification: Uncertain significance. Last evaluated: 2019-12-18. Review status: criteria provided, single submitter. Criteria: GeneDx Variant Classification Process June 2021. Collection method: clinical testing. Allele origin: germline. Affected: yes.
Comment: Not observed in large population cohorts (Lek 2016); In silico analysis, which includes protein predictors and evolutionary conservation, supports a deleterious effect; Has not been previously published as pathogenic or benign to our knowledge